The following is an entry in ClinVar:

ClinVar aggregate classification (germline): Uncertain significance. Review status: criteria provided, multiple submitters, no conflicts (2 of 4 stars). 2 submissions from 2 submitters: Uncertain significance (2). Last evaluated 2024-05-14.

Conditions:
Arrhythmogenic cardiomyopathy with wooly hair and keratoderma. Also called: Carvajal syndrome; Dilated cardiomyopathy with woolly hair and keratoderma; Arrhythmogenic cardiomyopathy with woolly hair and keratoderma; PALMOPLANTAR KERATODERMA WITH LEFT VENTRICULAR CARDIOMYOPATHY AND WOOLLY HAIR. Identifiers: Orphanet 65282, MedGen C1854063, MONDO:0011581, OMIM 605676.

Submissions (2):

All of Us Research Program, National Institutes of Health
Classification: Uncertain significance for Arrhythmogenic cardiomyopathy with wooly hair and keratoderma. Last evaluated: 2024-05-14. Review status: criteria provided, single submitter. Criteria: ACMG Guidelines, 2015. Collection method: clinical testing. Allele origin: germline. Inheritance: Autosomal dominant inheritance. Observed: 1 variant allele, 1 heterozygote.
Comment: This missense variant replaces aspartic acid with histidine at codon 728 of the DSP protein. Computational prediction suggests that this variant may not impact protein structure and function (internally defined REVEL score threshold <= 0.5, PMID: 27666373). To our knowledge, functional studies have not been reported for this variant. This variant has not been reported in individuals affected with DSP-related disorders in the literature. This variant has not been identified in the general population by the Genome Aggregation Database (gnomAD). The available evidence is insufficient to determine the role of this variant in disease conclusively. Therefore, this variant is classified as a Variant of Uncertain Significance.

This study involves interpretation of variants in research participants for the purpose of population health screening. Participant phenotype was not available at the time of variant classification. Additional details can be found in publication PMID: 35346344, PMCID: PMC8962531

GeneDx
Classification: Uncertain significance. Last evaluated: 2014-08-20. Review status: criteria provided, single submitter. Criteria: GeneDx Variant Classification (06012015). Collection method: clinical testing. Allele origin: germline. Affected: yes.
Comment: p.Asp728His (GAT>CAT): c.2182 G>C in exon 16 of the DSP gene (NM_004415.2). A variant of unknown significance has been identified in the DSP gene. The D728H variant has not been published as a mutation or been reported as a benign polymorphism to our knowledge. The D728H variant was not observed in approximately 6,500 individuals of European and African American ancestry in the NHLBI Exome Sequencing Project, indicating it is not a common benign variant in these populations. The D728H variant is a non-conservative amino acid substitution, which is likely to impact secondary protein structure as these residues differ in polarity, charge, size and/or other properties. This substitution occurs at a position that is conserved in mammals. In silico analysis predicts this variant is probably damaging to the protein structure/function. Nevertheless, no missense mutations in nearby residues have been reported in association with familial arrhythmia. Therefore, based on the currently available information, it is unclear whether this variant is a pathogenic mutation or a rare benign variant. The variant is found in ARRHYTHMIA panel(s).

NM_004415.4(DSP):c.2182G>C (p.Asp728His)

Gene: DSP (desmoplakin; plus strand). Cytogenetic location: 6p24.3.
Variant type: single nucleotide variant.
Coding change: c.2182G>C on transcript NM_004415.4 (MANE Select); coding-DNA position 2182, G replaced by C.
Protein change: p.Asp728His; replaces aspartic acid 728 with histidine.
Molecular consequence: missense variant.
Genome position (GRCh38, 1-based): chr6:7,574,137, G>C. VCF-style: chr6-7574137-G-C. GRCh37 (hg19) VCF-style: chr6-7574370-G-C.
Other names: p.D728H:GAT>CAT; c.2182G>C (LRG_423t1); c.2182G>C, p.Asp728His (NM_001008844.3, NM_001319034.2); short protein forms D728H.
Identifiers: ClinVar variation 199866 (VCV000199866.3), dbSNP rs794728116, ClinGen allele CA005307.
Genomic context (GRCh38, chr6:7,574,137, plus strand): 5'-TTTTGACAGAGTGTGCAGAATGATTCACAAGCAATTGCTGAGGTTCTCAACCAGCTTAAA[G>C]ATATGCTTGCCAACTTCAGAGGTTCTGAAAAGTACTGCTATTTACAGAATGAAGTATTTG-3'
Protein context (NP_004406.2, residues 718-738): AIAEVLNQLK[Asp728His]MLANFRGSEK